The following is an entry in ClinVar:

ClinVar aggregate classification (germline): Uncertain significance (1 of 4 stars; one submission).

Allele frequency attached by ClinVar (database versions not stated): gnomAD exomes below 0.00001; TOPMed below 0.00001.
gnomAD v4.1: 4 of 1,614,060 alleles (0.00025%); highest among the groups gnomAD compares: Middle Eastern, 0.016%; no homozygotes.

Submission:

Labcorp Genetics (formerly Invitae), Labcorp
Classification: Uncertain significance. Last evaluated: 2022-08-22. Review status: criteria provided, single submitter. Criteria: Invitae Variant Classification Sherloc (09022015). Collection method: clinical testing. Allele origin: germline.
Comment: This sequence change replaces arginine, which is basic and polar, with glutamine, which is neutral and polar, at codon 857 of the ERCC6 protein (p.Arg857Gln). This variant is not present in population databases (gnomAD no frequency). This variant has not been reported in the literature in individuals affected with ERCC6-related conditions. ClinVar contains an entry for this variant (Variation ID: 1389921). Algorithms developed to predict the effect of missense changes on protein structure and function (SIFT, PolyPhen-2, Align-GVGD) all suggest that this variant is likely to be disruptive. In summary, the available evidence is currently insufficient to determine the role of this variant in disease. Therefore, it has been classified as a Variant of Uncertain Significance.

NM_000124.4(ERCC6):c.2570G>A (p.Arg857Gln)

Gene: ERCC6 (ERCC excision repair 6, chromatin remodeling factor; minus strand). Cytogenetic location: 10q11.23.
Variant type: single nucleotide variant.
Coding change: c.2570G>A on transcript NM_000124.4 (MANE Select); coding-DNA position 2570, G replaced by A.
Protein change: p.Arg857Gln; replaces arginine 857 with glutamine.
Molecular consequence: missense variant.
Genome position (GRCh38, 1-based): chr10:49,474,055, C>T on the plus strand (G>A on the coding strand, the complement: ERCC6 is on the minus strand). VCF-style: chr10-49474055-C-T. GRCh37 (hg19) VCF-style: chr10-50682101-C-T.
Other names: c.2570G>A, p.Arg857Gln (NM_001346440.2); short protein forms R857Q.
Identifiers: ClinVar variation 1389921 (VCV001389921.3), dbSNP rs1850831419, ClinGen allele CA376721257.